The following is an entry in ClinVar:

NM_000059.4(BRCA2):c.9649-20C>T

Gene: BRCA2 (BRCA2 DNA repair associated; plus strand). Cytogenetic location: 13q13.1.
Variant type: single nucleotide variant.
Coding change: c.9649-20C>T on transcript NM_000059.4 (MANE Select); 20 bases into the intron before coding-DNA position 9649, C replaced by T.
Molecular consequence: intron variant.
Genome position (GRCh38, 1-based): chr13:32,398,142, C>T. VCF-style: chr13-32398142-C-T. GRCh37 (hg19) VCF-style: chr13-32972279-C-T.
Other names: IVS26-20C>T.
Identifiers: ClinVar variation 52884 (VCV000052884.45), dbSNP rs56177715, ClinGen allele CA026252.
Genomic context (GRCh38, chr13:32,398,142, plus strand): 5'-TTTCAATGAAAAGTTACTTTGATTTAGTTTTTTATGTTACTACATAATTATGATAGGCTA[C>T]GTTTTCATTTTTTTATCAGATGTCTTCTCCTAATTGTGAGATATATTATCAAAGTCCTTT-3'

ClinVar aggregate classification (germline): Benign. Review status: reviewed by expert panel (3 of 4 stars). 17 submissions from 17 submitters: Benign (1). 16 of the submissions do not count toward it. Last evaluated 2015-08-10.

Conditions:
Hereditary cancer-predisposing syndrome. Also called: Tumor predisposition; Neoplastic Syndromes, Hereditary; Hereditary neoplastic syndrome; Hereditary Cancer Syndrome. Identifiers: Orphanet 140162, MedGen C0027672, MeSH D009386, MONDO:0015356.
Hereditary breast ovarian cancer syndrome. Also called: Hereditary breast and ovarian cancer; BRCA1- and BRCA2-Associated Hereditary Breast and Ovarian Cancer; Hereditary breast and/or ovarian cancer syndrome; Hereditary breast and ovarian cancer syndrome; Breast and ovarian cancer; Hereditary breast and ovarian cancer syndrome (HBOC). Identifiers: Orphanet 145, MedGen C0677776, MeSH D061325, MONDO:0003582. Disease mechanism: loss of function.
Breast-ovarian cancer, familial, susceptibility to, 2 (BROVCA2). Also called: BRCA2 Hereditary Breast and Ovarian Cancer. Identifiers: Orphanet 145, MedGen C2675520, MONDO:0012933, OMIM 612555. Disease mechanism: loss of function.

Allele frequency attached by ClinVar (database versions not stated): gnomAD exomes 0.00008 and 0.00009; TOPMed 0.00012; ExAC 0.00013; gnomAD 0.00016.
gnomAD v4.1: 165 of 1,596,084 alleles (0.01%); highest among the groups gnomAD compares: Middle Eastern, 0.017%; no homozygotes.

Submissions (17):

Evidence-based Network for the Interpretation of Germline Mutant Alleles (ENIGMA)
Classification: Benign for Breast-ovarian cancer, familial 2. Last evaluated: 2015-08-10. Review status: reviewed by expert panel. Criteria: ENIGMA BRCA1/2 Classification Criteria (2015). Collection method: curation. Allele origin: germline.
Comment: IARC class based on posterior probability from multifactorial likelihood analysis, thresholds for class as per Plon et al. 2008 (PMID: 18951446). Class 1 based on posterior probability = 0.0000116

Labcorp Genetics (formerly Invitae), Labcorp
Classification: Benign for Hereditary breast ovarian cancer syndrome. Last evaluated: 2026-01-26. Review status: criteria provided, single submitter. Criteria: Invitae Variant Classification Sherloc (09022015). Collection method: clinical testing. Allele origin: germline. Not counted in ClinVar's aggregate classification.

GeneKor MSA
Classification: Benign for Hereditary breast ovarian cancer syndrome. Last evaluated: 2025-07-10. Review status: criteria provided, single submitter. Criteria: ACMG Guidelines, 2015. Collection method: clinical testing. Allele origin: germline. Not counted in ClinVar's aggregate classification.

Center for Genomic Medicine, Rigshospitalet, Copenhagen University Hospital
Classification: Benign. Last evaluated: 2025-03-04. Review status: criteria provided, single submitter. Criteria: ACMG Guidelines, 2015. Collection method: clinical testing. Allele origin: germline. Not counted in ClinVar's aggregate classification.

Blueprint Genetics
Classification: Likely benign. Last evaluated: 2024-10-29. Review status: criteria provided, single submitter. Criteria: ACMG Guidelines, 2015. Collection method: clinical testing. Allele origin: germline. Not counted in ClinVar's aggregate classification.

National Health Laboratory Service, Universitas Academic Hospital and University of the Free State
Classification: Benign for Hereditary breast ovarian cancer syndrome. Last evaluated: 2022-04-19. Review status: criteria provided, single submitter. Criteria: ACMG Guidelines, 2015. Collection method: clinical testing. Allele origin: germline. Affected: yes. Observed: 2 variant alleles. Not counted in ClinVar's aggregate classification.

PreventionGenetics, part of Exact Sciences
Classification: Likely benign. Last evaluated: 2017-10-05. Review status: criteria provided, single submitter. Criteria: ACMG Guidelines, 2015. Collection method: clinical testing. Allele origin: germline. Not counted in ClinVar's aggregate classification.

ARUP Laboratories, Molecular Genetics and Genomics, ARUP Laboratories
Classification: Benign. Last evaluated: 2016-10-12. Review status: criteria provided, single submitter. Criteria: ARUP Molecular Germline Variant Investigation Process. Collection method: clinical testing. Allele origin: germline. Not counted in ClinVar's aggregate classification.

Clinical Genetics DNA and cytogenetics Diagnostics Lab, Erasmus MC, Erasmus Medical Center
Classification: Benign for Breast-ovarian cancer, familial, susceptibility to, 2. Last evaluated: 2015-09-21. Review status: criteria provided, single submitter. Criteria: ACGS Guidelines, 2013. Collection method: clinical testing. Allele origin: germline. Affected: yes. Study: VKGL Data-share Consensus. Not counted in ClinVar's aggregate classification.

Color Diagnostics, LLC DBA Color Health
Classification: Benign for Hereditary cancer-predisposing syndrome. Last evaluated: 2015-04-22. Review status: criteria provided, single submitter. Criteria: ACMG Guidelines, 2015. Collection method: clinical testing. Allele origin: germline. Not counted in ClinVar's aggregate classification.

GeneDx
Classification: Benign. Last evaluated: 2015-03-03. Review status: criteria provided, single submitter. Criteria: GeneDx Variant Classification Process June 2021. Collection method: clinical testing. Allele origin: germline. Affected: yes. Not counted in ClinVar's aggregate classification.
Comment: This variant is associated with the following publications: (PMID: 21990134, 17924331)

Ambry Genetics
Classification: Benign for Hereditary cancer-predisposing syndrome. Last evaluated: 2014-11-19. Review status: criteria provided, single submitter. Criteria: Ambry Variant Classification Scheme 2023. Collection method: clinical testing. Allele origin: germline. Not counted in ClinVar's aggregate classification.

Counsyl
Classification: Likely benign for Breast-ovarian cancer, familial 2. Last evaluated: 2014-09-23. Review status: no assertion criteria provided. Collection method: literature only. Allele origin: unknown. Inheritance: Autosomal dominant inheritance. Not counted in ClinVar's aggregate classification.

Sharing Clinical Reports Project (SCRP)
Classification: Benign for Breast-ovarian cancer, familial 2. Last evaluated: 2012-05-01. Review status: no assertion criteria provided. Collection method: clinical testing. Allele origin: germline. Not counted in ClinVar's aggregate classification.

Breast Cancer Information Core (BIC) (BRCA2)
Classification: Uncertain significance for Breast-ovarian cancer, familial 2. Last evaluated: 2002-05-29. Review status: no assertion criteria provided. Collection method: clinical testing. Allele origin: germline. Affected: yes. Observed: 16 variant alleles. Not counted in ClinVar's aggregate classification.

Diagnostic Laboratory, Department of Genetics, University Medical Center Groningen
Classification: Likely benign for Breast-ovarian cancer, familial, susceptibility to, 2. Review status: no assertion criteria provided. Collection method: clinical testing. Allele origin: germline. Affected: yes. Study: VKGL Data-share Consensus. Not counted in ClinVar's aggregate classification.

Joint Genome Diagnostic Labs from Nijmegen and Maastricht, Radboudumc and MUMC+
Classification: Likely benign. Review status: no assertion criteria provided. Collection method: clinical testing. Allele origin: germline. Affected: yes. Study: VKGL Data-share Consensus. Not counted in ClinVar's aggregate classification.

Literature cited by the submitters: PubMed 21990134 (cited by Evidence-based Network for the Interpretation of Germline Mutant Alleles (ENIGMA) and Counsyl); DOI 10.3389/fgene.2022.834265 (cited by National Health Laboratory Service, Universitas Academic Hospital and University of the Free State); PubMed 17924331 (cited by Counsyl); PubMed 21120943 (cited by Counsyl); PubMed 22505045 (cited by Counsyl).